The following is an entry in ClinVar:

ClinVar aggregate classification (germline): Uncertain significance. Review status: criteria provided, multiple submitters, no conflicts (2 of 4 stars). 2 submissions from 2 submitters: Uncertain significance (2). Last evaluated 2026-07-13.

Conditions:
Inborn genetic diseases. Identifiers: MedGen C0950123, MeSH D030342.

Submissions (2):

Ambry Genetics
Classification: Uncertain significance for Inborn genetic diseases. Last evaluated: 2026-07-13. Review status: criteria provided, single submitter. Criteria: Ambry Variant Classification Scheme 2023. Collection method: clinical testing. Allele origin: germline.

Labcorp Genetics (formerly Invitae), Labcorp
Classification: Uncertain significance. Last evaluated: 2025-07-22. Review status: criteria provided, single submitter. Criteria: Invitae Variant Classification Sherloc (09022015). Collection method: clinical testing. Allele origin: germline.
Comment: This sequence change replaces proline, which is neutral and non-polar, with leucine, which is neutral and non-polar, at codon 544 of the NPHS1 protein (p.Pro544Leu). This variant is present in population databases (rs769523441, gnomAD 0.007%). This variant has not been reported in the literature in individuals affected with NPHS1-related conditions. Invitae Evidence Modeling of protein sequence and biophysical properties (such as structural, functional, and spatial information, amino acid conservation, physicochemical variation, residue mobility, and thermodynamic stability) has been performed for this missense variant. However, the output from this modeling did not meet the statistical confidence thresholds required to predict the impact of this variant on NPHS1 protein function. In summary, the available evidence is currently insufficient to determine the role of this variant in disease. Therefore, it has been classified as a Variant of Uncertain Significance.

NM_004646.4(NPHS1):c.1631C>T (p.Pro544Leu)

Gene: NPHS1 (NPHS1 adhesion molecule, nephrin; minus strand). Cytogenetic location: 19q13.12.
Variant type: single nucleotide variant.
Coding change: c.1631C>T on transcript NM_004646.4 (MANE Select); coding-DNA position 1631, C replaced by T.
Protein change: p.Pro544Leu; replaces proline 544 with leucine.
Molecular consequence: missense variant.
Genome position (GRCh38, 1-based): chr19:35,845,795, G>A on the plus strand (C>T on the coding strand, the complement: NPHS1 is on the minus strand). VCF-style: chr19-35845795-G-A. GRCh37 (hg19) VCF-style: chr19-36336697-G-A.
Other names: short protein forms P544L.
Identifiers: ClinVar variation 4762800 (VCV004762800.2).